The following is an entry in ClinVar:

ClinVar aggregate classification (germline): Uncertain significance (1 of 4 stars; one submission).

Conditions:
Charcot-Marie-Tooth disease type 2. Also called: Charcot-Marie-Tooth type 2. Identifiers: Orphanet 64746, MedGen C0270914, MONDO:0018993.

Allele frequency attached by ClinVar (database versions not stated): gnomAD exomes below 0.00001; TOPMed below 0.00001.
gnomAD v4.1: 1 of 1,614,074 alleles (0.000062%); highest among the groups gnomAD compares: Non-Finnish European, 0.000085%; no homozygotes.

Submission:

Labcorp Genetics (formerly Invitae), Labcorp
Classification: Uncertain significance for Charcot-Marie-Tooth disease type 2. Last evaluated: 2021-03-10. Review status: criteria provided, single submitter. Criteria: Invitae Variant Classification Sherloc (09022015). Collection method: clinical testing. Allele origin: germline.
Comment: This sequence change replaces glycine with alanine at codon 47 of the MFN2 protein (p.Gly47Ala). The glycine residue is moderately conserved and there is a small physicochemical difference between glycine and alanine. This variant is not present in population databases (ExAC no frequency). This variant has not been reported in the literature in individuals with MFN2-related conditions. Algorithms developed to predict the effect of missense changes on protein structure and function (SIFT, PolyPhen-2, Align-GVGD) all suggest that this variant is likely to be tolerated, but these predictions have not been confirmed by published functional studies and their clinical significance is uncertain. In summary, the available evidence is currently insufficient to determine the role of this variant in disease. Therefore, it has been classified as a Variant of Uncertain Significance.

NM_014874.4(MFN2):c.140G>C (p.Gly47Ala)

Gene: MFN2 (mitofusin 2; plus strand). Cytogenetic location: 1p36.22.
Variant type: single nucleotide variant.
Coding change: c.140G>C on transcript NM_014874.4 (MANE Select); coding-DNA position 140, G replaced by C.
Protein change: p.Gly47Ala; replaces glycine 47 with alanine.
Molecular consequence: missense variant.
Genome position (GRCh38, 1-based): chr1:11,989,308, G>C. VCF-style: chr1-11989308-G-C. GRCh37 (hg19) VCF-style: chr1-12049365-G-C.
Other names: c.140G>C, p.Gly47Ala (NM_001127660.2); short protein forms G47A.
Identifiers: ClinVar variation 1487957 (VCV001487957.8), dbSNP rs1263406133, ClinGen allele CA338459892.